The following is an entry in ClinVar:

ClinVar aggregate classification (germline): Conflicting classifications of pathogenicity. Review status: criteria provided, conflicting classifications (1 of 4 stars). 5 submissions from 5 submitters: Uncertain significance (3); Likely benign (2). Last evaluated 2025-07-01.

Conditions:
MYPN-related disorder. Also called: MYPN-related condition.
Cardiovascular phenotype. Identifiers: MedGen CN230736.
Dilated cardiomyopathy 1KK (CMD1KK). Identifiers: Orphanet 154, Orphanet 75249, MedGen C3714995, MONDO:0014100, OMIM 615248.

Allele frequency attached by ClinVar (database versions not stated): gnomAD exomes 0.00002; gnomAD 0.00004; TOPMed 0.00007.
gnomAD v4.1: 57 of 1,614,146 alleles (0.0035%); highest among the groups gnomAD compares: Middle Eastern, 0.049%; no homozygotes.

Submissions (5):

PreventionGenetics, part of Exact Sciences
Classification: Uncertain significance for MYPN-related condition. Last evaluated: 2025-07-01. Review status: criteria provided, single submitter. Criteria: ACMG Guidelines, 2015. Collection method: clinical testing. Allele origin: germline.
Comment: The MYPN c.3416G>A variant is predicted to result in the amino acid substitution p.Arg1139His. To our knowledge, this variant has not been reported in the literature. This variant is reported in 0.0053% of alleles in individuals of European (Non-Finnish) descent in gnomAD. At this time, the clinical significance of this variant is uncertain due to the absence of conclusive functional and genetic evidence.

Ambry Genetics
Classification: Uncertain significance for Cardiovascular phenotype. Last evaluated: 2025-04-21. Review status: criteria provided, single submitter. Criteria: Ambry Variant Classification Scheme 2023. Collection method: clinical testing. Allele origin: germline.

Labcorp Genetics (formerly Invitae), Labcorp
Classification: Uncertain significance for Dilated cardiomyopathy 1KK. Last evaluated: 2022-09-01. Review status: criteria provided, single submitter. Criteria: Invitae Variant Classification Sherloc (09022015). Collection method: clinical testing. Allele origin: germline.
Comment: This sequence change replaces arginine, which is basic and polar, with histidine, which is basic and polar, at codon 1139 of the MYPN protein (p.Arg1139His). This variant is present in population databases (no rsID available, gnomAD 0.005%). This variant has not been reported in the literature in individuals affected with MYPN-related conditions. ClinVar contains an entry for this variant (Variation ID: 227719). Algorithms developed to predict the effect of missense changes on protein structure and function output the following: SIFT: "Tolerated"; PolyPhen-2: "Benign"; Align-GVGD: "Class C0". The histidine amino acid residue is found in multiple mammalian species, which suggests that this missense change does not adversely affect protein function. In summary, the available evidence is currently insufficient to determine the role of this variant in disease. Therefore, it has been classified as a Variant of Uncertain Significance.

Blueprint Genetics
Classification: Likely benign. Last evaluated: 2021-03-15. Review status: criteria provided, single submitter. Criteria: ACMG Guidelines, 2015. Collection method: clinical testing. Allele origin: germline.

Laboratory for Molecular Medicine, Mass General Brigham Personalized Medicine
Classification: Likely benign. Last evaluated: 2015-07-22. Review status: criteria provided, single submitter. Criteria: LMM Criteria. Collection method: clinical testing. Allele origin: germline. Observed: 1 variant allele.
Comment: p.Arg1139His in exon 18 of MYPN: This variant is not expected to have clinical s ignificance due to a lack of conservation across species, including mammals. Of note, 3 mammals (Alpaca, Black flying-fox, and Megabat) have a histidine (His) a t this position despite high nearby amino acid conservation.

NM_032578.4(MYPN):c.3416G>A (p.Arg1139His)

Gene: MYPN (myopalladin; plus strand). Cytogenetic location: 10q21.3.
Variant type: single nucleotide variant.
Coding change: c.3416G>A on transcript NM_032578.4 (MANE Select); coding-DNA position 3416, G replaced by A.
Protein change: p.Arg1139His; replaces arginine 1139 with histidine.
Molecular consequence: missense variant. On other transcripts: non-coding transcript variant (2).
Genome position (GRCh38, 1-based): chr10:68,199,498, G>A. VCF-style: chr10-68199498-G-A. GRCh37 (hg19) VCF-style: chr10-69959255-G-A.
Other names: c.3416G>A, p.Arg1139His (NM_001256267.2); c.2534G>A, p.Arg845His (NM_001256268.2); short protein forms R1139H, R845H.
Identifiers: ClinVar variation 227719 (VCV000227719.16), dbSNP rs531222847, ClinGen allele CA10576802.
Genomic context (GRCh38, chr10:68,199,498, plus strand): 5'-ACAAGATGCTGGTCAGGGAGACCGGAGTCCACTCTCTGCTCATTGACCCACTCACTCAGC[G>A]CGACGCAGGGACCTATAAGTGCATCGCTACCAACAAAACCGGGCAGAATTCTTTTAGTCT-3'
Protein context (NP_115967.2, residues 1129-1149): HSLLIDPLTQ[Arg1139His]DAGTYKCIAT